The following is an entry in ClinVar:

ClinVar aggregate classification (germline): Likely pathogenic (1 of 4 stars; one submission).

Conditions:
Hereditary cancer-predisposing syndrome. Also called: Neoplastic Syndromes, Hereditary; Tumor predisposition; Hereditary Cancer Syndrome; Hereditary neoplastic syndrome. Identifiers: Orphanet 140162, MedGen C0027672, MeSH D009386, MONDO:0015356.

Submission:

Ambry Genetics
Classification: Likely pathogenic for Hereditary cancer-predisposing syndrome. Last evaluated: 2026-04-03. Review status: criteria provided, single submitter. Criteria: Ambry Variant Classification Scheme 2023. Collection method: clinical testing. Allele origin: germline.
Comment: The c.6861_6862delGCinsTT variant (also known as p.R2287_Q2288delinsS*), located in coding exon 15 of the APC gene, results from an in-frame deletion of GC and insertion of TT at nucleotide positions 6861 to 6862. This results in the substitution of the arginine residue for a serine residue at codon 2287 and changes the glutamine residue at codon 2288 to a stop codon. This variant occurs at the 3' terminus of the gene, is not expected to trigger nonsense-mediated mRNA decay, and impacts the last 20% of the protein. However, premature stop codons are typically deleterious in nature and a significant portion of the protein is affected (Ambry internal data). This variant is considered to be rare based on population cohorts in the Genome Aggregation Database (gnomAD). Based on the majority of available evidence to date, this variant is likely to be pathogenic.

NM_000038.6(APC):c.6861_6862delinsTT (p.Arg2287_Gln2288delinsSerTer)

Gene: APC (APC regulator of Wnt signaling pathway; plus strand). Cytogenetic location: 5q22.2.
Variant type: Indel.
Coding change: c.6861_6862delinsTT on transcript NM_000038.6 (MANE Select); coding-DNA positions 6861 to 6862, GC replaced by TT.
Protein change: p.Arg2287_Gln2288delinsSerTer.
Molecular consequence: nonsense. On other transcripts: non-coding transcript variant (2).
Genome position (GRCh38, 1-based): chr5:112,842,455-112,842,456, GC replaced by TT. VCF-style: chr5-112842455-GC-TT. GRCh37 (hg19) VCF-style: chr5-112178152-GC-TT.
Other names: c.6612_6613delinsTT, p.Arg2204_Gln2205delinsSerTer (NM_001407454.1, NM_001407455.1, NM_001407456.1 and 1 more transcripts); c.6558_6559delinsTT, p.Arg2186_Gln2187delinsSerTer (NM_001407458.1, NM_001407459.1, NM_001407460.1 and 1 more transcripts); c.6474_6475delinsTT, p.Arg2158_Gln2159delinsSerTer (NM_001407467.1, NM_001407469.1); c.6012_6013delinsTT, p.Arg2004_Gln2005delinsSerTer (NM_001407470.1, NM_001354906.2); c.5709_5710delinsTT, p.Arg1903_Gln1904delinsSerTer (NM_001407471.1, NM_001407472.1); c.6861_6862delinsTT, p.Arg2287_Gln2288delinsSerTer (NM_001127510.3, NM_001354895.2, NM_001407450.1); c.6807_6808delinsTT, p.Arg2269_Gln2270delinsSerTer (NM_001127511.3); c.6915_6916delinsTT, p.Arg2305_Gln2306delinsSerTer (NM_001354896.2, NM_001407447.1, NM_001407448.1 and 1 more transcripts); and 11 more.
Identifiers: ClinVar variation 4861101 (VCV004861101.1).